The following is an entry in ClinVar:

ClinVar aggregate classification (germline): Uncertain significance. Review status: criteria provided, multiple submitters, no conflicts (2 of 4 stars). 4 submissions from 4 submitters: Uncertain significance (4). Last evaluated 2025-12-31.

Conditions:
Oligodontia-cancer predisposition syndrome. Also called: TOOTH AGENESIS-COLORECTAL CANCER SYNDROME. Identifiers: Orphanet 300576, MedGen C1837750, MONDO:0012075, OMIM 608615. Disease mechanism: loss of function.
Hereditary cancer-predisposing syndrome. Also called: Neoplastic Syndromes, Hereditary; Tumor predisposition; Hereditary Cancer Syndrome; Hereditary neoplastic syndrome. Identifiers: Orphanet 140162, MedGen C0027672, MeSH D009386, MONDO:0015356.

Allele frequency attached by ClinVar (database versions not stated): gnomAD exomes below 0.00001; gnomAD 0.00001; TOPMed 0.00001.
gnomAD v4.1: 4 of 1,614,012 alleles (0.00025%); highest among the groups gnomAD compares: African/African-American, 0.004%; no homozygotes.

Submissions (4):

Labcorp Genetics (formerly Invitae), Labcorp
Classification: Uncertain significance for Oligodontia-cancer predisposition syndrome. Last evaluated: 2025-12-31. Review status: criteria provided, single submitter. Criteria: Invitae Variant Classification Sherloc (09022015). Collection method: clinical testing. Allele origin: germline.
Comment: This sequence change replaces leucine, which is neutral and non-polar, with arginine, which is basic and polar, at codon 122 of the AXIN2 protein (p.Leu122Arg). This variant is present in population databases (no rsID available, gnomAD 0.006%). This missense change has been observed in individual(s) with colorectal cancer (PMID: 28944238). ClinVar contains an entry for this variant (Variation ID: 464622). Invitae Evidence Modeling of protein sequence and biophysical properties (such as structural, functional, and spatial information, amino acid conservation, physicochemical variation, residue mobility, and thermodynamic stability) has been performed for this missense variant. However, the output from this modeling did not meet the statistical confidence thresholds required to predict the impact of this variant on AXIN2 protein function. In summary, the available evidence is currently insufficient to determine the role of this variant in disease. Therefore, it has been classified as a Variant of Uncertain Significance.

Ambry Genetics
Classification: Uncertain significance for Hereditary cancer-predisposing syndrome. Last evaluated: 2025-03-09. Review status: criteria provided, single submitter. Criteria: Ambry Variant Classification Scheme 2023. Collection method: clinical testing. Allele origin: germline.
Comment: The p.L122R variant (also known as c.365T>G), located in coding exon 1 of the AXIN2 gene, results from a T to G substitution at nucleotide position 365. The leucine at codon 122 is replaced by arginine, an amino acid with dissimilar properties. This alteration was identified in an individual diagnosed with colorectal cancer (DeRycke MS et al. Mol Genet Genomic Med, 2017 Sep;5:553-569). This amino acid position is well conserved in available vertebrate species. In addition, this alteration is predicted to be tolerated by in silico analysis. Since supporting evidence is limited at this time, the clinical significance of this alteration remains unclear.

GeneDx
Classification: Uncertain significance. Last evaluated: 2024-02-09. Review status: criteria provided, single submitter. Criteria: GeneDx Variant Classification Process June 2021. Collection method: clinical testing. Allele origin: germline. Affected: yes.
Comment: Not observed at significant frequency in large population cohorts (gnomAD); In silico analysis supports that this missense variant does not alter protein structure/function; Observed in an individual with colorectal cancer (PMID: 28944238); This variant is associated with the following publications: (PMID: 28944238, 15735151)

Quest Diagnostics Nichols Institute San Juan Capistrano
Classification: Uncertain significance. Last evaluated: 2023-12-06. Review status: criteria provided, single submitter. Criteria: Quest Diagnostics criteria. Collection method: clinical testing. Allele origin: unknown.
Comment: The AXIN2 c.365T>G (p.Leu122Arg) variant has been reported in at least one individual with colorectal cancer (PMID: 28944238 (2017)). The frequency of this variant in the general population, 0.000004 (1/251496 chromosomes (Genome Aggregation Database)), is uninformative in the assessment of its pathogenicity. Analysis of this variant using bioinformatics tools for the prediction of the effect of amino acid changes on protein structure and function yielded predictions that this variant is benign. Based on the available information, we are unable to determine the clinical significance of this variant.

Literature cited by the submitters: PubMed 28944238 (cited by 3 submitters).

NM_004655.4(AXIN2):c.365T>G (p.Leu122Arg)

Gene: AXIN2 (axin 2; minus strand). Cytogenetic location: 17q24.1.
Variant type: single nucleotide variant.
Coding change: c.365T>G on transcript NM_004655.4 (MANE Select); coding-DNA position 365, T replaced by G.
Protein change: p.Leu122Arg; replaces leucine 122 with arginine.
Molecular consequence: missense variant.
Genome position (GRCh38, 1-based): chr17:65,558,256, A>C on the plus strand (T>G on the coding strand, the complement: AXIN2 is on the minus strand). VCF-style: chr17-65558256-A-C. GRCh37 (hg19) VCF-style: chr17-63554374-A-C.
Other names: c.365T>G (LRG_296t1); c.365T>G, p.Leu122Arg (NM_001363813.1); short protein forms L122R.
Identifiers: ClinVar variation 464622 (VCV000464622.14), dbSNP rs1162974793, ClinGen allele CA400681550.
Genomic context (GRCh38, chr17:65,558,256, plus strand): 5'-TTGTTCTCAATGTACCTTTTGTAGATCGCTTTGGCTACTCGTAAAGTTTTGGTATCCTTC[A>C]GGTTCATCTGCCTGAATCCATTGCAGGCAAACCAGAAGTCTAAGGTATCCACGCATTTCT-3'
Protein context (NP_004646.3, residues 112-132): FACNGFRQMN[Leu122Arg]KDTKTLRVAK